The following is an entry in ClinVar:

NM_152415.3(VPS37A):c.316-143A>G

Gene: VPS37A (VPS37A subunit of ESCRT-I; plus strand). Cytogenetic location: 8p22.
Variant type: single nucleotide variant.
Coding change: c.316-143A>G on transcript NM_152415.3 (MANE Select); 143 bases into the intron before coding-DNA position 316, A replaced by G.
Molecular consequence: intron variant.
Genome position (GRCh38, 1-based): chr8:17,268,713, A>G. VCF-style: chr8-17268713-A-G. GRCh37 (hg19) VCF-style: chr8-17126222-A-G.
Other names: c.46-143A>G (NM_001363172.2, NM_001363168.1, NM_001363170.1 and 2 more transcripts); c.316-143A>G (NM_001363173.2, NM_001363167.1); c.241-143A>G (NM_001145152.2).
Identifiers: ClinVar variation 670265 (VCV000670265.1), dbSNP rs55855877, ClinGen allele CA12831463.

ClinVar aggregate classification (germline): Benign (1 of 4 stars; one submission).

Allele frequency attached by ClinVar (database versions not stated): 1000 Genomes Project 30x 0.03701; 1000 Genomes Project 0.03794; TOPMed 0.06074; gnomAD 0.06743 and 0.06913; gnomAD exomes 0.08020.
gnomAD v4.1: 49,797 of 647,324 alleles (7.7%); highest among the groups gnomAD compares: Non-Finnish European, 9.9%; 2,415 homozygotes.

Submission:

GeneDx
Classification: Benign. Last evaluated: 2018-06-14. Review status: criteria provided, single submitter. Criteria: GeneDx Variant Classification (06012015). Collection method: clinical testing. Allele origin: germline. Affected: yes.
Comment: This variant is considered likely benign or benign based on one or more of the following criteria: it is a conservative change, it occurs at a poorly conserved position in the protein, it is predicted to be benign by multiple in silico algorithms, and/or has population frequency not consistent with disease.